The following is an entry in ClinVar:

NM_004304.5(ALK):c.2633G>C (p.Gly878Ala)

Gene: ALK (ALK receptor tyrosine kinase; minus strand). Cytogenetic location: 2p23.2.
Variant type: single nucleotide variant.
Coding change: c.2633G>C on transcript NM_004304.5 (MANE Select); coding-DNA position 2633, G replaced by C.
Protein change: p.Gly878Ala; replaces glycine 878 with alanine.
Molecular consequence: missense variant.
Genome position (GRCh38, 1-based): chr2:29,229,066, C>G on the plus strand (G>C on the coding strand, the complement: ALK is on the minus strand). VCF-style: chr2-29229066-C-G. GRCh37 (hg19) VCF-style: chr2-29451932-C-G.
Other names: c.2633G>C (NM_004304.4); short protein forms G878A.
Identifiers: ClinVar variation 3639827 (VCV003639827.3).
Genomic context (GRCh38, chr2:29,229,066, plus strand): 5'-TCCTGCAAAGATTTTCCGGCCCAGAGCAAGGAAGTGTTATCATTCCAGCCACCTCCACCA[C>G]CTGCGGGAAGAGATAGGGAACCTGCGTGAGGATGCTGGCAAGGTTCAATTAGCCATGCTG-3'
Protein context (NP_004295.2, residues 868-888): LGLNGNSGAA[Gly878Ala]GGGGWNDNTS

ClinVar aggregate classification (germline): Uncertain significance. Review status: criteria provided, multiple submitters, no conflicts (2 of 4 stars). 2 submissions from 2 submitters: Uncertain significance (2). Last evaluated 2024-12-11.

Conditions:
Hereditary cancer-predisposing syndrome. Also called: Hereditary Cancer Syndrome; Hereditary neoplastic syndrome; Neoplastic Syndromes, Hereditary; Tumor predisposition. Identifiers: Orphanet 140162, MedGen C0027672, MeSH D009386, MONDO:0015356.
Neuroblastoma, susceptibility to, 3. Also called: ALK-Related Neuroblastic Tumor Susceptibility. Identifiers: Orphanet 635, MedGen C2751681, MONDO:0013083, OMIM 613014.

Submissions (2):

Ambry Genetics
Classification: Uncertain significance for Hereditary cancer-predisposing syndrome. Last evaluated: 2024-12-11. Review status: criteria provided, single submitter. Criteria: Ambry Variant Classification Scheme 2023. Collection method: clinical testing. Allele origin: germline.
Comment: The p.G878A variant (also known as c.2633G>C) is located in coding exon 16 of the ALK gene. The glycine at codon 878 is replaced by alanine, an amino acid with similar properties. This change occurs in the first base pair of coding exon 16. This amino acid position is highly conserved in available vertebrate species. In addition, this alteration is predicted to be tolerated by in silico analysis. Based on the available evidence, the clinical significance of this variant remains unclear.

Labcorp Genetics (formerly Invitae), Labcorp
Classification: Uncertain significance for Neuroblastoma, susceptibility to, 3. Last evaluated: 2024-03-13. Review status: criteria provided, single submitter. Criteria: Invitae Variant Classification Sherloc (09022015). Collection method: clinical testing. Allele origin: germline.
Comment: This sequence change replaces glycine, which is neutral and non-polar, with alanine, which is neutral and non-polar, at codon 878 of the ALK protein (p.Gly878Ala). This variant is not present in population databases (gnomAD no frequency). This variant has not been reported in the literature in individuals affected with ALK-related conditions. An algorithm developed to predict the effect of missense changes on protein structure and function (PolyPhen-2) suggests that this variant is likely to be disruptive. Algorithms developed to predict the effect of sequence changes on RNA splicing suggest that this variant may disrupt the consensus splice site. In summary, the available evidence is currently insufficient to determine the role of this variant in disease. Therefore, it has been classified as a Variant of Uncertain Significance.